The following is an entry in ClinVar:

NM_001256627.2(BRSK2):c.1485G>C (p.Arg495=)

Gene: BRSK2 (BR serine/threonine kinase 2; plus strand). Cytogenetic location: 11p15.5.
Variant type: single nucleotide variant.
Coding change: c.1485G>C on transcript NM_001256627.2 (MANE Select); coding-DNA position 1485, G replaced by C.
Protein change: p.Arg495=; no amino-acid change (arginine 495 retained).
Molecular consequence: synonymous variant. On other transcripts: non-coding transcript variant (1).
Genome position (GRCh38, 1-based): chr11:1,450,784, G>C. VCF-style: chr11-1450784-G-C. GRCh37 (hg19) VCF-style: chr11-1472014-G-C.
Other names: c.1485G>C, p.Arg495= (NM_001256629.2, NM_003957.4); c.1623G>C, p.Arg541= (NM_001256630.1); c.1305G>C, p.Arg435= (NM_001282218.2).
Identifiers: ClinVar variation 3027254 (VCV003027254.22), dbSNP rs2539668678, ClinGen allele CA471970213.

ClinVar aggregate classification (germline): Uncertain significance (1 of 4 stars; one submission).

Submission:

CeGaT Center for Human Genetics Tuebingen
Classification: Uncertain significance. Last evaluated: 2024-02-01. Review status: criteria provided, single submitter. Criteria: CeGaT Center For Human Genetics Tuebingen Variant Classification Criteria Version 2. Collection method: clinical testing. Allele origin: germline. Affected: yes. Observed: 1 variant allele.
Comment: BRSK2: PM2, BP4